The following is an entry in ClinVar:

NM_138615.3(DHX30):c.873dup (p.Ala292fs)

Gene: DHX30 (DExH-box helicase 30; plus strand). Cytogenetic location: 3p21.31.
Variant type: Duplication.
Coding change: c.873dup on transcript NM_138615.3 (MANE Select); coding-DNA position 873, one base duplicated (T; older notation c.873dupT).
Protein change: p.Ala292fs; shifts the reading frame from alanine 292.
Molecular consequence: frameshift variant.
Genome position (GRCh38, 1-based): chr3:47,843,189, T duplicated; the last of 2 consecutive T bases (chr3:47,843,188-47,843,189); duplicating either gives the same sequence. VCF-style (leftmost placement, unchanged base first): chr3-47843187-G-GT. GRCh37 (hg19) VCF-style: chr3-47884677-G-GT.
Other names: c.789dup, p.Ala264fs (NM_001330990.2); c.756dup, p.Ala253fs (NM_014966.4); short protein forms A253fs, A264fs, A292fs.
Identifiers: ClinVar variation 1706713 (VCV001706713.2), dbSNP rs2549287555, ClinGen allele CA2580069903.
Genomic context (GRCh38, chr3:47,843,187, plus strand): 5'-GTGGGCACCAAGACCAAGCTGTCTACACTCACCCTGCTCTGGCCCTGCCCCATGACCTTT[G>GT]TTGCCAAAGGGCGCCGCAAAGCAGAGGCTGAGAATAAGGCGGCAGCCTTGGCCTGCAAGA-3'

ClinVar aggregate classification (germline): Uncertain significance (1 of 4 stars; one submission).

Submission:

GeneDx
Classification: Uncertain significance. Last evaluated: 2022-03-25. Review status: criteria provided, single submitter. Criteria: GeneDx Variant Classification Process June 2021. Collection method: clinical testing. Allele origin: germline. Affected: yes.
Comment: Not observed at significant frequency in large population cohorts (gnomAD); Frameshift variant predicted to result in protein truncation or nonsense mediated decay in a gene or region of a gene for which loss of function is not a well-established mechanism of disease; Has not been previously published as pathogenic or benign to our knowledge